The following is an entry in ClinVar:

NM_013436.5(NCKAP1):c.1209-13A>G

Gene: NCKAP1 (NCK associated protein 1; minus strand). Cytogenetic location: 2q32.1.
Variant type: single nucleotide variant.
Coding change: c.1209-13A>G on transcript NM_013436.5 (MANE Select); 13 bases into the intron before coding-DNA position 1209, A replaced by G.
Molecular consequence: intron variant.
Genome position (GRCh38, 1-based): chr2:182,981,389, T>C on the plus strand (A>G on the coding strand, the complement: NCKAP1 is on the minus strand). VCF-style: chr2-182981389-T-C. GRCh37 (hg19) VCF-style: chr2-183846117-T-C.
Other names: c.1227-13A>G (NM_205842.3).
Identifiers: ClinVar variation 2505621 (VCV002505621.2), dbSNP rs2468640605, ClinGen allele CA2580616649.

ClinVar aggregate classification (germline): Uncertain significance (1 of 4 stars; one submission).

Submission:

GeneDx
Classification: Uncertain significance. Last evaluated: 2024-11-06. Review status: criteria provided, single submitter. Criteria: GeneDx Variant Classification Process June 2021. Collection method: clinical testing. Allele origin: germline. Affected: yes.
Comment: Not observed at significant frequency in large population cohorts (gnomAD); In silico analysis supports a deleterious effect on splicing; Has not been previously published as pathogenic or benign to our knowledge